The following is an entry in ClinVar:

NM_025137.4(SPG11):c.6326_6327insCTTTTACACTGTTGGTGGGACTGTAAACTAGTTCAACCATTGTGGAAGTCAGTGTGGCGATTCCTCAGGGATCNNNNNNNNNNAAAAAAAAAAAAAAAAAAAAAAGATTTCCTCCGTTCCCCA (p.His2109_Gly2110insPheTyrThrValGlyGlyThrValAsnTer)

Gene: SPG11 (SPG11 vesicle trafficking associated, spatacsin; minus strand). Cytogenetic location: 15q21.1.
Variant type: Insertion.
Coding change: c.6326_6327insCTTTTACACTGTTGGTGGGACTGTAAACTAGTTCAACCATTGTGGAAGTCAGTGTGGCGATTCCTCAGGGATCNNNNNNNNNNAAAAAAAAAAAAAAAAAAAAAAGATTTCCTCCGTTCCCCA on transcript NM_025137.4 (MANE Select); coding-DNA positions 6326 to 6327, CTTTTACACTGTTGGTGGGACTGTAAACTAGTTCAACCATTGTGGAAGTCAGTGTGGCGATTCCTCAGGGATCNNNNNNNNNNAAAAAAAAAAAAAAAAAAAAAAGATTTCCTCCGTTCCCCA inserted.
Protein change: p.His2109_Gly2110insPheTyrThrValGlyGlyThrValAsnTer.
Molecular consequence: nonsense, inframe insertion.
Genome position: GRCh38: chr15:44,572,719-44,572,720. GRCh37 (hg19): chr15:44,864,917-44,864,918.
Other names: c.5987_5988insCTTTTACACTGTTGGTGGGACTGTAAACTAGTTCAACCATTGTGGAAGTCAGTGTGGCGATTCCTCAGGGATCNNNNNNNNNNAAAAAAAAAAAAAAAAAAAAAAGATTTCCTCCGTTCCCCA, p.His1996_Gly1997insPheTyrThrValGlyGlyThrValAsnTer (NM_001160227.2); c.6162_6163insAAGATTTCCTCCGTTCCCCACTTTTACACTGTTGGTGGGACTGTAAACTAGTTCAACCATTGTGGAAGTCAGTGTGGCGATTCCTCAGGGATCNNNNNNNNNNAAAAAAAAAAAAAAAAAAAA, p.Gly2062_Leu2389delinsPheTyrThrValGlyGlyThrValAsnTer (NM_001411132.1).
Identifiers: ClinVar variation 2025804 (VCV002025804.4), dbSNP rs2505221112.

ClinVar aggregate classification (germline): Pathogenic (1 of 4 stars; one submission).

Conditions:
Hereditary spastic paraplegia 11. Also called: Spastic Paraplegia 11; Spastic paraplegia, mental retardation and thin corpus callosum; Nakamura Osame syndrome; Autosomal recessive hereditary spastic paraplegia, mental impairment, and thin corpus callosum; SPASTIC PARAPLEGIA, AUTOSOMAL RECESSIVE, COMPLICATED, WITH THIN CORPUS CALLOSUM; SPASTIC PARAPLEGIA, AUTOSOMAL RECESSIVE, WITH MENTAL IMPAIRMENT AND THIN CORPUS CALLOSUM. Identifiers: Orphanet 2822, MedGen C1858479, MONDO:0011445, OMIM 604360.

Submission:

Labcorp Genetics (formerly Invitae), Labcorp
Classification: Pathogenic for Hereditary spastic paraplegia 11. Last evaluated: 2022-08-21. Review status: criteria provided, single submitter. Criteria: Invitae Variant Classification Sherloc (09022015). Collection method: clinical testing. Allele origin: germline.
Comment: Retrotransposon insertions including LINE1 (L1), Alu, and SVA (SINE-VNTR-Alu) have been reported to be disease-causing through disruption of either a coding region or splice site (PMID: 19763152, 20307669, 22406018) and loss-of-function variants in SPG11 are known to be pathogenic (PMID: 19105190, 20110243, 22154821, 26556829). For these reasons, this variant has been classified as Pathogenic. Algorithms developed to predict the effect of sequence changes on RNA splicing suggest that this variant may disrupt the consensus splice site. This variant has not been reported in the literature in individuals affected with SPG11-related conditions. This variant is not present in population databases (gnomAD no frequency). This sequence change inserts a large fragment of DNA, likely a transposable element, in exon 33 of the SPG11 gene (c.6326_6327ins?), causing a frameshift at codon 2109 (p.His2109fs). The exact size and sequence of the insertion cannot be determined by the current assay. However, the insertion is expected to result in an absent or disrupted protein product.

Literature cited by the submitters: PubMed 19763152; PubMed 20307669; PubMed 22406018; PubMed 19105190; PubMed 20110243; PubMed 22154821; PubMed 26556829.